The following is an entry in ClinVar:

NM_004656.4(BAP1):c.1411_1412delinsAT (p.Ala471Ile)

Gene: BAP1 (BRCA1 associated deubiquitinase 1; minus strand). Cytogenetic location: 3p21.1.
Variant type: Indel.
Coding change: c.1411_1412delinsAT on transcript NM_004656.4 (MANE Select); coding-DNA positions 1411 to 1412, GC replaced by AT.
Protein change: p.Ala471Ile; replaces alanine 471 with isoleucine.
Molecular consequence: missense variant.
Genome position (GRCh38, 1-based): chr3:52,403,733-52,403,734, GC replaced by AT on the plus strand (GC replaced by AT on the coding strand, the reverse complement: BAP1 is on the minus strand). VCF-style: chr3-52403733-GC-AT. GRCh37 (hg19) VCF-style: chr3-52437749-GC-AT.
Other names: short protein forms A471I.
Identifiers: ClinVar variation 641066 (VCV000641066.8), dbSNP rs1578220936, ClinGen allele CA915942471.

ClinVar aggregate classification (germline): Uncertain significance. Review status: criteria provided, multiple submitters, no conflicts (2 of 4 stars). 2 submissions from 2 submitters: Uncertain significance (2). Last evaluated 2025-12-22.

Conditions:
Hereditary cancer-predisposing syndrome. Also called: Neoplastic Syndromes, Hereditary; Hereditary neoplastic syndrome; Tumor predisposition; Hereditary Cancer Syndrome. Identifiers: Orphanet 140162, MedGen C0027672, MeSH D009386, MONDO:0015356.
BAP1-related tumor predisposition syndrome (TPDS1). Also called: COMMON Syndrome; BAP1 tumor predisposition syndrome; Tumor susceptibility linked to germline BAP1 mutations; TUMOR PREDISPOSITION SYNDROME 1. Identifiers: Orphanet 289539, MedGen C3280492, MONDO:0013692, OMIM 614327.

Submissions (2):

Ambry Genetics
Classification: Uncertain significance for Hereditary cancer-predisposing syndrome. Last evaluated: 2025-12-22. Review status: criteria provided, single submitter. Criteria: Ambry Variant Classification Scheme 2023. Collection method: clinical testing. Allele origin: germline.
Comment: The c.1411_1412delGCinsAT variant (also known as p.A471I), located in coding exon 13 of the BAP1 gene, results from an in-frame deletion of GC and insertion of AT at nucleotide positions 1411 to 1412. This results in the substitution of the alanine residue for an isoleucine residue at codon 471, an amino acid with similar properties. This amino acid position is well conserved in available vertebrate species. In addition, this alteration is predicted to be neutral by in silico analysis (Choi Y et al. PLoS ONE. 2012; 7(10):e46688). Based on the available evidence, the clinical significance of this variant remains unclear.

Labcorp Genetics (formerly Invitae), Labcorp
Classification: Uncertain significance for BAP1-related tumor predisposition syndrome. Last evaluated: 2024-11-18. Review status: criteria provided, single submitter. Criteria: Invitae Variant Classification Sherloc (09022015). Collection method: clinical testing. Allele origin: germline.
Comment: This sequence change replaces alanine, which is neutral and non-polar, with isoleucine, which is neutral and non-polar, at codon 471 of the BAP1 protein (p.Ala471Ile). This variant is present in population databases (no rsID available, gnomAD 0.003%). This variant has not been reported in the literature in individuals affected with BAP1-related conditions. ClinVar contains an entry for this variant (Variation ID: 641066). An algorithm developed to predict the effect of missense changes on protein structure and function (PolyPhen-2) suggests that this variant is likely to be tolerated. In summary, the available evidence is currently insufficient to determine the role of this variant in disease. Therefore, it has been classified as a Variant of Uncertain Significance.